The following is an entry in ClinVar:

NM_032279.4(ATP13A4):c.2119A>G (p.Ile707Val)

Gene: ATP13A4 (ATPase 13A4; minus strand). Cytogenetic location: 3q29.
Variant type: single nucleotide variant.
Coding change: c.2119A>G on transcript NM_032279.4 (MANE Select); coding-DNA position 2119, A replaced by G.
Protein change: p.Ile707Val; replaces isoleucine 707 with valine.
Molecular consequence: missense variant.
Genome position (GRCh38, 1-based): chr3:193,448,239, T>C on the plus strand (A>G on the coding strand, the complement: ATP13A4 is on the minus strand). VCF-style: chr3-193448239-T-C. GRCh37 (hg19) VCF-style: chr3-193166028-T-C.
Other names: short protein forms I707V.
Identifiers: ClinVar variation 3056909 (VCV003056909.2), dbSNP rs139578706, ClinGen allele CA2758172.

ClinVar aggregate classification (germline): Benign (0 of 4 stars; one submission).

Conditions:
ATP13A4-related disorder. Also called: ATP13A4-related condition.

Allele frequency attached by ClinVar (database versions not stated): ESP Exome Variant Server 0.00108; TOPMed 0.00140; gnomAD 0.00205; ExAC 0.00533; 1000 Genomes Project 30x 0.00734; 1000 Genomes Project 0.00799.
gnomAD v4.1: 4,413 of 1,613,940 alleles (0.27%); highest among the groups gnomAD compares: South Asian, 2.9%; 65 homozygotes.

Submission:

PreventionGenetics, part of Exact Sciences
Classification: Benign for ATP13A4-related condition. Last evaluated: 2019-06-11. Review status: no assertion criteria provided. Collection method: clinical testing. Allele origin: germline.
Comment: This variant is classified as benign based on ACMG/AMP sequence variant interpretation guidelines (Richards et al. 2015 PMID: 25741868, with internal and published modifications).